The following is an entry in ClinVar:

ClinVar aggregate classification (germline): Uncertain significance (1 of 4 stars; one submission).

Conditions:
Inborn genetic diseases. Identifiers: MedGen C0950123, MeSH D030342.

Submission:

Ambry Genetics
Classification: Uncertain significance for Inborn genetic diseases. Last evaluated: 2025-08-01. Review status: criteria provided, single submitter. Criteria: Ambry Variant Classification Scheme 2023. Collection method: clinical testing. Allele origin: germline.
Comment: The p.N880Y variant (also known as c.2638A>T), located in coding exon 14 of the FANCM gene, results from an A to T substitution at nucleotide position 2638. The asparagine at codon 880 is replaced by tyrosine, an amino acid with dissimilar properties. This amino acid position is conserved. In addition, this alteration is predicted to be tolerated by in silico analysis. Based on the available evidence, the clinical significance of this variant remains unclear.

NM_020937.4(FANCM):c.2638A>T (p.Asn880Tyr)

Gene: FANCM (FA complementation group M; plus strand). Cytogenetic location: 14q21.2.
Variant type: single nucleotide variant.
Coding change: c.2638A>T on transcript NM_020937.4 (MANE Select); coding-DNA position 2638, A replaced by T.
Protein change: p.Asn880Tyr; replaces asparagine 880 with tyrosine.
Molecular consequence: missense variant.
Genome position (GRCh38, 1-based): chr14:45,175,392, A>T. VCF-style: chr14-45175392-A-T. GRCh37 (hg19) VCF-style: chr14-45644595-A-T.
Other names: c.2560A>T, p.Asn854Tyr (NM_001308133.2); short protein forms N880Y, N854Y.
Identifiers: ClinVar variation 4254635 (VCV004254635.1).